The following is an entry in ClinVar:

NM_001267550.2(TTN):c.39251del (p.Val13084fs)

Gene: TTN (titin; minus strand). Cytogenetic location: 2q31.2.
Variant type: Deletion.
Coding change: c.39251del on transcript NM_001267550.2 (MANE Select); coding-DNA position 39251, one base deleted (T; older notation c.39251delT).
Protein change: p.Val13084fs; shifts the reading frame from valine 13084.
Molecular consequence: frameshift variant. On other transcripts: intron variant (3).
Genome position (GRCh38, 1-based): chr2:178,652,140, A deleted on the plus strand (T on the coding strand, the reverse complement: TTN is on the minus strand). VCF-style (leftmost placement, unchanged base first): chr2-178652139-CA-C. GRCh37 (hg19) VCF-style: chr2-179516866-CA-C.
Other names: c.34730del, p.Val11577fs (NM_001256850.1); c.31949del, p.Val10650fs (NM_133378.4); c.13283-9823del (NM_003319.4); c.13859-9823del (NM_133437.4); c.13658-9823del (NM_133432.3); short protein forms V11577fs, V13084fs, V10650fs.
Identifiers: ClinVar variation 2921975 (VCV002921975.3), dbSNP rs2472398055, ClinGen allele CA2740096186.
Genomic context (GRCh38, chr2:178,652,139, plus strand): 5'-AATAGTTTCATTATTACCTTCAGGGGGAGGACTTTCCGGTTTGGGAGGAATAGCTTCAGG[CA>C]CCTTCTTTTCTGGGACAGCTACCTTTGGCACCTCTGGGACTTTAAAAGATATTATTATTT-3'

ClinVar aggregate classification (germline): Likely pathogenic (1 of 4 stars; one submission).

Conditions:
Dilated cardiomyopathy 1G (CMD1G). Identifiers: Orphanet 154, MedGen C1858763, MONDO:0011400, OMIM 604145.
Autosomal recessive limb-girdle muscular dystrophy type 2J (LGMDR10). Also called: Limb-girdle muscular dystrophy, type 2J; MUSCULAR DYSTROPHY, LIMB-GIRDLE, AUTOSOMAL RECESSIVE 10. Identifiers: Orphanet 140922, MedGen C1837342, MONDO:0012127, OMIM 608807.

Submission:

Labcorp Genetics (formerly Invitae), Labcorp
Classification: Likely pathogenic for Dilated cardiomyopathy 1G; Autosomal recessive limb-girdle muscular dystrophy type 2J. Last evaluated: 2024-05-01. Review status: criteria provided, single submitter. Criteria: Invitae Variant Classification Sherloc (09022015). Collection method: clinical testing. Allele origin: germline.
Comment: This sequence change creates a premature translational stop signal (p.Val13084Glyfs*25) in the TTN gene. While this is not anticipated to result in nonsense mediated decay, it is expected to create a truncated TTN protein. This variant is not present in population databases (gnomAD no frequency). This variant has not been reported in the literature in individuals affected with TTN-related conditions. This variant is located in the I band of TTN (PMID: 25589632). Truncating variants in this region have been reported in individuals affected with autosomal recessive centronuclear myopathy (PMID: 23975875, Invitae internal data). Truncating variants in this region have also been identified in individuals affected with autosomal dominant dilated cardiomyopathy and/or cardio-related conditions (PMID: 27869827, 32964742, Invitae internal data). In summary, the currently available evidence indicates that the variant is pathogenic, but additional data are needed to prove that conclusively. Therefore, this variant has been classified as Likely Pathogenic.

Literature cited by the submitters: PubMed 25589632; PubMed 23975875; PubMed 27869827; PubMed 32964742.